The following is an entry in ClinVar:

NM_001277115.2(DNAH11):c.3050T>G (p.Met1017Arg)

Genes: DNAH11 (dynein axonemal heavy chain 11; plus strand), LOC126859961 (BRD4-independent group 4 enhancer GRCh37_chr7:21639662-21640861; plus strand). Cytogenetic location: 7p15.3.
Variant type: single nucleotide variant.
Coding change: c.3050T>G on transcript NM_001277115.2 (MANE Select); coding-DNA position 3050, T replaced by G.
Protein change: p.Met1017Arg; replaces methionine 1017 with arginine.
Molecular consequence: missense variant.
Genome position (GRCh38, 1-based): chr7:21,600,725, T>G. VCF-style: chr7-21600725-T-G. GRCh37 (hg19) VCF-style: chr7-21640343-T-G.
Other names: short protein forms M1017R.
Identifiers: ClinVar variation 939279 (VCV000939279.15), dbSNP rs949130021, ClinGen allele CA155087728.

ClinVar aggregate classification (germline): Conflicting classifications of pathogenicity. Review status: criteria provided, conflicting classifications (1 of 4 stars). 3 submissions from 3 submitters: Uncertain significance (2); Likely benign (1). Last evaluated 2024-10-04.

Conditions:
Primary ciliary dyskinesia. Also called: Ciliary dyskinesia. Identifiers: Orphanet 244, MedGen C0008780, MONDO:0016575, HP:0012265.

Allele frequency attached by ClinVar (database versions not stated): gnomAD exomes 0.00001; TOPMed 0.00002.

Submissions (3):

GeneDx
Classification: Uncertain significance. Last evaluated: 2024-10-04. Review status: criteria provided, single submitter. Criteria: GeneDx Variant Classification Process June 2021. Collection method: clinical testing. Allele origin: germline. Affected: yes.
Comment: Not observed at significant frequency in large population cohorts (gnomAD); In silico analysis supports that this missense variant has a deleterious effect on protein structure/function; Has not been previously published as pathogenic or benign to our knowledge

Labcorp Genetics (formerly Invitae), Labcorp
Classification: Likely benign for Primary ciliary dyskinesia. Last evaluated: 2023-12-25. Review status: criteria provided, single submitter. Criteria: Invitae Variant Classification Sherloc (09022015). Collection method: clinical testing. Allele origin: germline.

Ambry Genetics
Classification: Uncertain significance for Primary ciliary dyskinesia. Last evaluated: 2023-05-19. Review status: criteria provided, single submitter. Criteria: Ambry Variant Classification Scheme 2023. Collection method: clinical testing. Allele origin: germline.
Comment: The p.M1017R variant (also known as c.3050T>G), located in coding exon 16 of the DNAH11 gene, results from a T to G substitution at nucleotide position 3050. The methionine at codon 1017 is replaced by arginine, an amino acid with similar properties. This amino acid position is conserved. In addition, this alteration is predicted to be tolerated by in silico analysis. Since supporting evidence is limited at this time, the clinical significance of this alteration remains unclear.